The following is an entry in ClinVar:

NM_003072.5(SMARCA4):c.1359T>C (p.Thr453=)

Gene: SMARCA4 (SWI/SNF related BAF chromatin remodeling complex subunit ATPase 4; plus strand). Cytogenetic location: 19p13.2.
Variant type: single nucleotide variant.
Coding change: c.1359T>C on transcript NM_003072.5 (MANE Select); coding-DNA position 1359, T replaced by C.
Protein change: p.Thr453=; no amino-acid change (threonine 453 retained).
Molecular consequence: synonymous variant. On other transcripts: non-coding transcript variant (1).
Genome position (GRCh38, 1-based): chr19:10,991,263, T>C. VCF-style: chr19-10991263-T-C. GRCh37 (hg19) VCF-style: chr19-11101939-T-C.
Other names: c.1359T>C, p.Thr453= (NM_001128844.3, NM_001128845.2, NM_001128846.2 and 6 more transcripts).
Identifiers: ClinVar variation 3705169 (VCV003705169.10).

ClinVar aggregate classification (germline): Benign/Likely benign. Review status: criteria provided, multiple submitters, no conflicts (2 of 4 stars). 3 submissions from 3 submitters: Benign (1); Likely benign (2). Last evaluated 2026-07-10.

Conditions:
Rhabdoid tumor predisposition syndrome 2 (RTPS2). Identifiers: Orphanet 231108, Orphanet 69077, MedGen C2750074, MONDO:0013224, OMIM 613325.

gnomAD v4.1: 1 of 1,612,282 alleles (0.000062%); no homozygotes.

Submissions (3):

Myriad Genetics, Inc.
Classification: Benign for Rhabdoid tumor predisposition syndrome 2. Last evaluated: 2026-07-10. Review status: criteria provided, single submitter. Criteria: Myriad Autosomal Dominant, Autosomal Recessive and X-Linked Classification Criteria (2023). Collection method: clinical testing. Allele origin: unknown.
Comment: This variant is considered benign. This variant is a silent/synonymous amino acid change and it is not expected to impact splicing.

CeGaT Center for Human Genetics Tuebingen
Classification: Likely benign. Last evaluated: 2025-08-01. Review status: criteria provided, single submitter. Criteria: CeGaT Center For Human Genetics Tuebingen Variant Classification Criteria Version 2. Collection method: clinical testing. Allele origin: germline. Affected: yes. Observed: 1 variant allele.
Comment: SMARCA4: BP4, BP7

Labcorp Genetics (formerly Invitae), Labcorp
Classification: Likely benign for Rhabdoid tumor predisposition syndrome 2. Last evaluated: 2024-04-22. Review status: criteria provided, single submitter. Criteria: Invitae Variant Classification Sherloc (09022015). Collection method: clinical testing. Allele origin: germline.